The following is an entry in ClinVar:

ClinVar aggregate classification (germline): Likely benign (0 of 4 stars; one submission).

Conditions:
FAT3-related disorder. Also called: FAT3-related condition.

Allele frequency attached by ClinVar (database versions not stated): ExAC 0.00011; ESP Exome Variant Server 0.00016; 1000 Genomes Project 0.00020; 1000 Genomes Project 30x 0.00031.
gnomAD v4.1: 111 of 1,613,162 alleles (0.0069%); highest among the groups gnomAD compares: East Asian, 0.062%; 1 homozygote.

Submission:

PreventionGenetics, part of Exact Sciences
Classification: Likely benign for FAT3-related condition. Last evaluated: 2019-02-22. Review status: no assertion criteria provided. Collection method: clinical testing. Allele origin: germline.
Comment: This variant is classified as likely benign based on ACMG/AMP sequence variant interpretation guidelines (Richards et al. 2015 PMID: 25741868, with internal and published modifications).

NM_001367949.2(FAT3):c.11877C>T (p.Gly3959=)

Gene: FAT3 (FAT atypical cadherin 3; plus strand). Cytogenetic location: 11q14.3.
Variant type: single nucleotide variant.
Coding change: c.11877C>T on transcript NM_001367949.2 (MANE Select); coding-DNA position 11877, C replaced by T.
Protein change: p.Gly3959=; no amino-acid change (glycine 3959 retained).
Molecular consequence: synonymous variant.
Genome position (GRCh38, 1-based): chr11:92,866,959, C>T. VCF-style: chr11-92866959-C-T. GRCh37 (hg19) VCF-style: chr11-92600125-C-T.
Other names: c.11877C>T, p.Gly3959= (NM_001008781.3).
Identifiers: ClinVar variation 3058515 (VCV003058515.2), dbSNP rs372222951, ClinGen allele CA6228437.
Genomic context (GRCh38, chr11:92,866,959, plus strand): 5'-GCGGCGCCGGGCGCCCCTCTACTTCCAGACGCTGAGCACTGAGAGTAGCATCTACTTCGG[C>T]GCCCTGGTGCAAGCGGATAACATCCGCAGCCTGACTGACACGCGGGTCACGCAGGTGCTC-3'
Protein context (NP_001354878.1, residues 3949-3969): TLSTESSIYF[Gly3959=]ALVQADNIRS